The following is an entry in ClinVar:

NM_015629.4(PRPF31):c.1146+2T>G

Gene: PRPF31 (pre-mRNA processing factor 31; plus strand). Cytogenetic location: 19q13.42.
Variant type: single nucleotide variant.
Coding change: c.1146+2T>G on transcript NM_015629.4 (MANE Select); the canonical splice donor site of the intron after coding-DNA position 1146, T replaced by G.
Molecular consequence: splice donor variant.
Genome position (GRCh38, 1-based): chr19:54,128,379, T>G. VCF-style: chr19-54128379-T-G. GRCh37 (hg19) VCF-style: chr19-54631754-T-G.
Identifiers: ClinVar variation 987444 (VCV000987444.12), dbSNP rs2073971890, ClinGen allele CA407754075.

ClinVar aggregate classification (germline): Conflicting classifications of pathogenicity. Review status: criteria provided, conflicting classifications (1 of 4 stars). 4 submissions from 4 submitters: Pathogenic (1); Likely pathogenic (2); Uncertain significance (1). Last evaluated 2023-05-02.

Conditions:
Retinitis pigmentosa 11 (RP11). Identifiers: Orphanet 791, MedGen C1838601, MONDO:0010828, OMIM 600138.

Submissions (4):

Broad Center for Mendelian Genomics, Broad Institute of MIT and Harvard
Classification: Uncertain significance for Retinitis pigmentosa 11. Last evaluated: 2023-05-02. Review status: criteria provided, single submitter. Criteria: ACMG Guidelines, 2015. Collection method: curation. Allele origin: germline. Inheritance: Autosomal dominant inheritance.
Comment: The c.1146+2T>G variant in PRPF31 has not been previously reported in the literature in individuals with retinitis pigmentosa 11. This variant has also been reported in ClinVar (Variation ID: 987444) and has been interpreted as pathogenic by Invitae and as likely pathogenic by Institute of Medical Genetics and Applied Genomics, University Hospital T√ºbingen and Ocular Genomics Institute, Massachusetts Eye and Ear. This variant was absent from large population studies. A different nucleotide change that also results in a splice donor variant at the same site, c.1146+2T>C and c.1146+2T>A, have been previously reported pathogenic in the literature (PMID: 17325180, PMID: 29847639, PMID: 28192796), and the variant being assessed here, c.1146+2T>G, is predicted by SpliceAI to have a similar effect on splicing. This variant is located in the 5' splice region. Computational tools predict a splicing impact, though this information is not predictive enough to determine pathogenicity. There is an in-frame cryptic splice site 21 bases from the intron-exon boundary, providing evidence that this variant may delete 7 amino acids instead of causing loss of function. However, this information is not predictive enough to determine pathogenicity. Heterozygous loss of function of the PRPF31 gene is an established disease mechanism in retinitis pigmentosa 11. In summary, while there is some suspicion for a pathogenic role, the clinical significance of this variant is uncertain. ACMG/AMP Criteria applied: PVS1_Moderate, PS1_Supporting, PM2_Supporting (Richards 2015).

Labcorp Genetics (formerly Invitae), Labcorp
Classification: Pathogenic. Last evaluated: 2023-01-12. Review status: criteria provided, single submitter. Criteria: Invitae Variant Classification Sherloc (09022015). Collection method: clinical testing. Allele origin: germline.
Comment: This variant is not present in population databases (gnomAD no frequency). For these reasons, this variant has been classified as Pathogenic. Algorithms developed to predict the effect of sequence changes on RNA splicing suggest that this variant may disrupt the consensus splice site. ClinVar contains an entry for this variant (Variation ID: 987444). Disruption of this splice site has been observed in individuals with retinitis pigmentosa (PMID: 17325180, 28192796). This sequence change affects a donor splice site in intron 11 of the PRPF31 gene. It is expected to disrupt RNA splicing. Variants that disrupt the donor or acceptor splice site typically lead to a loss of protein function (PMID: 16199547), and loss-of-function variants in PRPF31 are known to be pathogenic (PMID: 18317597, 23950152).

Ocular Genomics Institute, Massachusetts Eye and Ear
Classification: Likely pathogenic for Retinitis pigmentosa 11. Last evaluated: 2021-04-08. Review status: criteria provided, single submitter. Criteria: ACMG Guidelines, 2015. Collection method: research. Allele origin: germline. Affected: yes.
Comment: Through a review of available evidence we were able to apply the following criteria: PVS1, PM2. Based on this evidence we have classified this variant as Likely Pathogenic.

Institute of Medical Genetics and Applied Genomics, University Hospital Tübingen
Classification: Likely pathogenic. Last evaluated: 2020-10-23. Review status: criteria provided, single submitter. Criteria: ACMG Guidelines, 2015. Collection method: clinical testing. Allele origin: germline. Inheritance: Unknown mechanism. Affected: yes.

Literature cited by the submitters: PubMed 17325180 (cited by Labcorp Genetics (formerly Invitae), Labcorp); PubMed 28192796 (cited by Labcorp Genetics (formerly Invitae), Labcorp); PubMed 16199547 (cited by Labcorp Genetics (formerly Invitae), Labcorp); PubMed 18317597 (cited by Labcorp Genetics (formerly Invitae), Labcorp); PubMed 23950152 (cited by Labcorp Genetics (formerly Invitae), Labcorp).